The following is an entry in ClinVar:

ClinVar aggregate classification (germline): Uncertain significance (1 of 4 stars; one submission).

Submission:

Labcorp Genetics (formerly Invitae), Labcorp
Classification: Uncertain significance. Last evaluated: 2022-08-01. Review status: criteria provided, single submitter. Criteria: Invitae Variant Classification Sherloc (09022015). Collection method: clinical testing. Allele origin: germline.
Comment: This sequence change replaces leucine, which is neutral and non-polar, with methionine, which is neutral and non-polar, at codon 694 of the RBBP8 protein (p.Leu694Met). This variant is not present in population databases (gnomAD no frequency). This variant has not been reported in the literature in individuals affected with RBBP8-related conditions. Algorithms developed to predict the effect of missense changes on protein structure and function are either unavailable or do not agree on the potential impact of this missense change (SIFT: "Deleterious"; PolyPhen-2: "Probably Damaging"; Align-GVGD: "Class C0"). In summary, the available evidence is currently insufficient to determine the role of this variant in disease. Therefore, it has been classified as a Variant of Uncertain Significance.

NM_002894.3(RBBP8):c.2080T>A (p.Leu694Met)

Gene: RBBP8 (RB binding protein 8, endonuclease; plus strand). Cytogenetic location: 18q11.2.
Variant type: single nucleotide variant.
Coding change: c.2080T>A on transcript NM_002894.3 (MANE Select); coding-DNA position 2080, T replaced by A.
Protein change: p.Leu694Met; replaces leucine 694 with methionine.
Molecular consequence: missense variant.
Genome position (GRCh38, 1-based): chr18:22,997,671, T>A. VCF-style: chr18-22997671-T-A. GRCh37 (hg19) VCF-style: chr18-20577634-T-A.
Other names: c.2080T>A, p.Leu694Met (NM_203291.2, NM_203292.2); short protein forms L694M.
Identifiers: ClinVar variation 2120523 (VCV002120523.1), dbSNP rs1265311383, ClinGen allele CA401780802.